The following is an entry in ClinVar:

NM_007194.4(CHEK2):c.1543-1G>T

Gene: CHEK2 (checkpoint kinase 2; minus strand). Cytogenetic location: 22q12.1.
Variant type: single nucleotide variant.
Coding change: c.1543-1G>T on transcript NM_007194.4 (MANE Select); the canonical splice acceptor site of the intron before coding-DNA position 1543, G replaced by T.
Molecular consequence: splice acceptor variant.
Genome position (GRCh38, 1-based): chr22:28,687,987, C>A on the plus strand (G>T on the coding strand, the complement: CHEK2 is on the minus strand). VCF-style: chr22-28687987-C-A. GRCh37 (hg19) VCF-style: chr22-29083975-C-A.
Other names: c.1636-1G>T (NM_001438293.1); c.880-1G>T (NM_001437942.1, NM_001257387.3); c.1342-1G>T (NM_001349956.3); c.1456-1G>T (NM_145862.3); c.1549-1G>T (NM_001438295.1); c.1585-1G>T (NM_001438294.1); c.1672-1G>T (NM_001005735.3).
Identifiers: ClinVar variation 2584134 (VCV002584134.2), dbSNP rs2052190289, ClinGen allele CA411091532.

ClinVar aggregate classification (germline): Likely pathogenic (1 of 4 stars; one submission).

Conditions:
Familial cancer of breast. Also called: BREAST CANCER, FAMILIAL; hereditary breast carcinoma; Hereditary breast cancer. Identifiers: Orphanet 227535, MedGen C0346153, MONDO:0016419, OMIM 114480. Disease mechanism: loss of function.

Submission:

Myriad Genetics, Inc.
Classification: Likely pathogenic for Familial cancer of breast. Last evaluated: 2023-06-29. Review status: criteria provided, single submitter. Criteria: Myriad Autosomal Dominant, Autosomal Recessive and X-Linked Classification Criteria (2023). Collection method: clinical testing. Allele origin: unknown.
Comment: This variant is considered likely pathogenic. This variant occurs within a consensus splice junction and is predicted to result in abnormal mRNA splicing of either an out-of-frame exon or an in-frame exon necessary for protein stability and/or normal function.